The following is an entry in ClinVar:

ClinVar aggregate classification (germline): Uncertain significance (1 of 4 stars; one submission).

Conditions:
Asphyxiating thoracic dystrophy 5 (SRTD5). Also called: SHORT-RIB THORACIC DYSPLASIA 5 WITH OR WITHOUT POLYDACTYLY; SHORT-RIB THORACIC DYSPLASIA 5 WITHOUT POLYDACTYLY. Identifiers: Orphanet 474, MedGen C3280598, MONDO:0013717, OMIM 614376.
Senior-Loken syndrome 8 (SLSN8). Identifiers: Orphanet 3156, MedGen C4225376, MONDO:0014579, OMIM 616307.

Submission:

Labcorp Genetics (formerly Invitae), Labcorp
Classification: Uncertain significance for Senior-Loken syndrome 8; Asphyxiating thoracic dystrophy 5. Last evaluated: 2022-07-06. Review status: criteria provided, single submitter. Criteria: Invitae Variant Classification Sherloc (09022015). Collection method: clinical testing. Allele origin: germline.
Comment: In summary, the available evidence is currently insufficient to determine the role of this variant in disease. Therefore, it has been classified as a Variant of Uncertain Significance. Algorithms developed to predict the effect of missense changes on protein structure and function (SIFT, PolyPhen-2, Align-GVGD) all suggest that this variant is likely to be disruptive. This variant has not been reported in the literature in individuals affected with WDR19-related conditions. This variant is not present in population databases (gnomAD no frequency). This sequence change replaces leucine, which is neutral and non-polar, with valine, which is neutral and non-polar, at codon 750 of the WDR19 protein (p.Leu750Val).

NM_025132.4(WDR19):c.2248C>G (p.Leu750Val)

Gene: WDR19 (WD repeat domain 19; plus strand). Cytogenetic location: 4p14.
Variant type: single nucleotide variant.
Coding change: c.2248C>G on transcript NM_025132.4 (MANE Select); coding-DNA position 2248, C replaced by G.
Protein change: p.Leu750Val; replaces leucine 750 with valine.
Molecular consequence: missense variant.
Genome position (GRCh38, 1-based): chr4:39,232,267, C>G. VCF-style: chr4-39232267-C-G. GRCh37 (hg19) VCF-style: chr4-39233887-C-G.
Other names: c.1768C>G, p.Leu590Val (NM_001317924.2); short protein forms L750V, L590V.
Identifiers: ClinVar variation 2014296 (VCV002014296.4), dbSNP rs2475206763, ClinGen allele CA356635042.